The following is an entry in ClinVar:

NM_000455.5(STK11):c.1250C>T (p.Ala417Val)

Gene: STK11 (serine/threonine kinase 11; plus strand). Cytogenetic location: 19p13.3.
Variant type: single nucleotide variant.
Coding change: c.1250C>T on transcript NM_000455.5 (MANE Select); coding-DNA position 1250, C replaced by T.
Protein change: p.Ala417Val; replaces alanine 417 with valine.
Molecular consequence: missense variant.
Genome position (GRCh38, 1-based): chr19:1,226,595, C>T. VCF-style: chr19-1226595-C-T. GRCh37 (hg19) VCF-style: chr19-1226594-C-T.
Other names: short protein forms A417V.
Identifiers: ClinVar variation 951503 (VCV000951503.13), dbSNP rs1166243253, ClinGen allele CA402954019.

ClinVar aggregate classification (germline): Conflicting classifications of pathogenicity. Review status: criteria provided, conflicting classifications (1 of 4 stars). 2 submissions from 2 submitters: Uncertain significance (1); Likely benign (1). Last evaluated 2026-09-11.

Conditions:
Hereditary cancer-predisposing syndrome. Also called: Neoplastic Syndromes, Hereditary; Hereditary Cancer Syndrome; Tumor predisposition; Hereditary neoplastic syndrome. Identifiers: Orphanet 140162, MedGen C0027672, MeSH D009386, MONDO:0015356.
Peutz-Jeghers syndrome (PJS). Also called: POLYPOSIS, HAMARTOMATOUS INTESTINAL; POLYPS-AND-SPOTS SYNDROME; Peutz-Jeghers polyposis; Periorificial lentiginosis syndrome. Identifiers: Orphanet 2869, MedGen C0031269, MeSH D010580, MONDO:0008280, OMIM 175200.

Allele frequency attached by ClinVar (database versions not stated): gnomAD 0.00001.

Submissions (2):

Ambry Genetics
Classification: Likely benign for Hereditary cancer-predisposing syndrome. Last evaluated: 2026-09-11. Review status: criteria provided, single submitter. Criteria: Ambry Variant Classification Scheme 2023. Collection method: clinical testing. Allele origin: germline.

Labcorp Genetics (formerly Invitae), Labcorp
Classification: Uncertain significance for Peutz-Jeghers syndrome. Last evaluated: 2023-04-11. Review status: criteria provided, single submitter. Criteria: Invitae Variant Classification Sherloc (09022015). Collection method: clinical testing. Allele origin: germline.
Comment: In summary, the available evidence is currently insufficient to determine the role of this variant in disease. Therefore, it has been classified as a Variant of Uncertain Significance. Advanced modeling of protein sequence and biophysical properties (such as structural, functional, and spatial information, amino acid conservation, physicochemical variation, residue mobility, and thermodynamic stability) performed at Invitae indicates that this missense variant is not expected to disrupt STK11 protein function. ClinVar contains an entry for this variant (Variation ID: 951503). This variant has not been reported in the literature in individuals affected with STK11-related conditions. This variant is not present in population databases (gnomAD no frequency). This sequence change replaces alanine, which is neutral and non-polar, with valine, which is neutral and non-polar, at codon 417 of the STK11 protein (p.Ala417Val).